The following is an entry in ClinVar:

ClinVar aggregate classification (germline): Uncertain significance (1 of 4 stars; one submission).

Conditions:
Peroxisome biogenesis disorder, complementation group K (CGK). Identifiers: MedGen C1866257, MONDO:0800365.

Allele frequency attached by ClinVar (database versions not stated): TOPMed below 0.00001; gnomAD 0.00001.
gnomAD v4.1: 9 of 1,613,412 alleles (0.00056%); highest among the groups gnomAD compares: Non-Finnish European, 0.00076%; no homozygotes.

Submission:

Labcorp Genetics (formerly Invitae), Labcorp
Classification: Uncertain significance for Peroxisome biogenesis disorder, complementation group K. Last evaluated: 2022-08-02. Review status: criteria provided, single submitter. Criteria: Invitae Variant Classification Sherloc (09022015). Collection method: clinical testing. Allele origin: germline.
Comment: In summary, the available evidence is currently insufficient to determine the role of this variant in disease. Therefore, it has been classified as a Variant of Uncertain Significance. Algorithms developed to predict the effect of missense changes on protein structure and function are either unavailable or do not agree on the potential impact of this missense change (SIFT: "Deleterious"; PolyPhen-2: "Probably Damaging"; Align-GVGD: "Class C0"). This variant has not been reported in the literature in individuals affected with PEX14-related conditions. This variant is present in population databases (no rsID available, gnomAD 0.0009%). This sequence change replaces arginine, which is basic and polar, with glutamine, which is neutral and polar, at codon 25 of the PEX14 protein (p.Arg25Gln).

NM_004565.3(PEX14):c.74G>A (p.Arg25Gln)

Gene: PEX14 (peroxisomal biogenesis factor 14; plus strand). Cytogenetic location: 1p36.22.
Variant type: single nucleotide variant.
Coding change: c.74G>A on transcript NM_004565.3 (MANE Select); coding-DNA position 74, G replaced by A.
Protein change: p.Arg25Gln; replaces arginine 25 with glutamine.
Molecular consequence: missense variant.
Genome position (GRCh38, 1-based): chr1:10,495,311, G>A. VCF-style: chr1-10495311-G-A. GRCh37 (hg19) VCF-style: chr1-10555368-G-A.
Other names: short protein forms R25Q.
Identifiers: ClinVar variation 2115895 (VCV002115895.3), dbSNP rs1479023779, ClinGen allele CA338683002.